The following is an entry in ClinVar:

ClinVar aggregate classification (germline): Uncertain significance. Review status: criteria provided, multiple submitters, no conflicts (2 of 4 stars). 2 submissions from 2 submitters: Uncertain significance (2). Last evaluated 2024-09-14.

Allele frequency attached by ClinVar (database versions not stated): ExAC 0.00001; gnomAD 0.00002; TOPMed 0.00002.
gnomAD v4.1: 46 of 1,582,882 alleles (0.0029%); highest among the groups gnomAD compares: Non-Finnish European, 0.0039%; no homozygotes.

Submissions (2):

Labcorp Genetics (formerly Invitae), Labcorp
Classification: Uncertain significance. Last evaluated: 2024-09-14. Review status: criteria provided, single submitter. Criteria: Invitae Variant Classification Sherloc (09022015). Collection method: clinical testing. Allele origin: germline.
Comment: This sequence change replaces proline, which is neutral and non-polar, with serine, which is neutral and polar, at codon 531 of the DLC1 protein (p.Pro531Ser). This variant is present in population databases (rs765547395, gnomAD 0.007%). This variant has not been reported in the literature in individuals affected with DLC1-related conditions. An algorithm developed to predict the effect of missense changes on protein structure and function (PolyPhen-2) suggests that this variant is likely to be disruptive. In summary, the available evidence is currently insufficient to determine the role of this variant in disease. Therefore, it has been classified as a Variant of Uncertain Significance.

Ambry Genetics
Classification: Uncertain significance. Last evaluated: 2023-11-06. Review status: criteria provided, single submitter. Criteria: Ambry Variant Classification Scheme 2023. Collection method: clinical testing. Allele origin: germline.

NM_182643.3(DLC1):c.1591C>T (p.Pro531Ser)

Gene: DLC1 (DLC1 Rho GTPase activating protein; minus strand). Cytogenetic location: 8p22.
Variant type: single nucleotide variant.
Coding change: c.1591C>T on transcript NM_182643.3 (MANE Select); coding-DNA position 1591, C replaced by T.
Protein change: p.Pro531Ser; replaces proline 531 with serine.
Molecular consequence: missense variant.
Genome position (GRCh38, 1-based): chr8:13,100,746, G>A on the plus strand (C>T on the coding strand, the complement: DLC1 is on the minus strand). VCF-style: chr8-13100746-G-A. GRCh37 (hg19) VCF-style: chr8-12958255-G-A.
Other names: c.58C>T, p.Pro20Ser (NM_001348084.2, NM_001413126.1, NM_001413127.1 and 6 more transcripts); c.1591C>T, p.Pro531Ser (NM_001413124.1, NM_001348081.2); c.382C>T, p.Pro128Ser (NM_001413129.1, NM_001316668.2); c.373C>T, p.Pro125Ser (NM_001413130.1); c.31C>T, p.Pro11Ser (NM_001413131.1, NM_001413137.1); c.517C>T, p.Pro173Ser (NM_001413132.1); c.280C>T, p.Pro94Ser (NM_001413135.1, NM_001413136.1, NM_001413139.1 and 1 more transcripts); c.415C>T, p.Pro139Ser (NM_001413140.1); short protein forms P11S, P125S, P128S, P531S, P20S, P139S, P173S, P94S.
Identifiers: ClinVar variation 3082672 (VCV003082672.3), dbSNP rs765547395, ClinGen allele CA4638861.